The following is an entry in ClinVar:

ClinVar aggregate classification (germline): Likely benign. Review status: criteria provided, multiple submitters, no conflicts (2 of 4 stars). 2 submissions from 2 submitters: Likely benign (2). Last evaluated 2025-09-12.

Conditions:
DNM2-related disorder. Also called: DNM2-related condition.
Charcot-Marie-Tooth disease dominant intermediate B (CMTDIB). Also called: CHARCOT-MARIE-TOOTH NEUROPATHY, DOMINANT INTERMEDIATE B; Charcot-Marie-Tooth disease dominant intermediate 1; CMT DI1; Charcot-Marie-Tooth disease dominant intermediate I. Identifiers: Orphanet 100044, Orphanet 228179, MedGen C1847902, MONDO:0011674, OMIM 606482.

Allele frequency attached by ClinVar (database versions not stated): gnomAD exomes 0.00001 and 0.00002; ExAC 0.00002; gnomAD 0.00004 and 0.00005; TOPMed 0.00007; ESP Exome Variant Server 0.00008.
gnomAD v4.1: 19 of 1,614,042 alleles (0.0012%); highest among the groups gnomAD compares: African/African-American, 0.02%; no homozygotes.

Submissions (2):

Labcorp Genetics (formerly Invitae), Labcorp
Classification: Likely benign for Charcot-Marie-Tooth disease dominant intermediate B. Last evaluated: 2025-09-12. Review status: criteria provided, single submitter. Criteria: Invitae Variant Classification Sherloc (09022015). Collection method: clinical testing. Allele origin: germline.

PreventionGenetics, part of Exact Sciences
Classification: Likely benign for DNM2-related condition. Last evaluated: 2025-08-18. Review status: criteria provided, single submitter. Criteria: ACMG Guidelines, 2015. Collection method: clinical testing. Allele origin: germline.
Comment: This variant is classified as likely benign based on ACMG/AMP sequence variant interpretation guidelines (Richards et al. 2015 PMID: 25741868, with internal and published modifications).

NM_001005361.3(DNM2):c.591C>T (p.Gly197=)

Gene: DNM2 (dynamin 2; plus strand). Cytogenetic location: 19p13.2.
Variant type: single nucleotide variant.
Coding change: c.591C>T on transcript NM_001005361.3 (MANE Select); coding-DNA position 591, C replaced by T.
Protein change: p.Gly197=; no amino-acid change (glycine 197 retained).
Molecular consequence: synonymous variant.
Genome position (GRCh38, 1-based): chr19:10,777,119, C>T. VCF-style: chr19-10777119-C-T. GRCh37 (hg19) VCF-style: chr19-10887795-C-T.
Other names: c.591C>T, p.Gly197= (NM_001005360.3, NM_001005362.3, NM_001190716.2 and 1 more transcripts).
Identifiers: ClinVar variation 854472 (VCV000854472.8), dbSNP rs372235062, ClinGen allele CA9200839.
Genomic context (GRCh38, chr19:10,777,119, plus strand): 5'-GCCAGCTGATGCTCTTTCCTGGTGGCAGCCTCTGACCTCTGACCTCTGGGCTCTTTCAGG[C>T]CTACGGACCATCGGTGTCATCACCAAGCTTGACCTGATGGACGAGGGCACCGACGCCAGG-3'
Protein context (NP_001005361.1, residues 187-207): LKLAKEVDPQ[Gly197=]LRTIGVITKL